The following is an entry in ClinVar:

NM_017739.4(POMGNT1):c.289C>A (p.Arg97=)

Gene: POMGNT1 (protein O-linked mannose N-acetylglucosaminyltransferase 1 (beta 1,2-); minus strand). Cytogenetic location: 1p34.1.
Variant type: single nucleotide variant.
Coding change: c.289C>A on transcript NM_017739.4 (MANE Select); coding-DNA position 289, C replaced by A.
Protein change: p.Arg97=; no amino-acid change (arginine 97 retained).
Molecular consequence: synonymous variant. On other transcripts: 5 prime UTR variant (1).
Genome position (GRCh38, 1-based): chr1:46,196,796, G>T on the plus strand (C>A on the coding strand, the complement: POMGNT1 is on the minus strand). VCF-style: chr1-46196796-G-T. GRCh37 (hg19) VCF-style: chr1-46662468-G-T.
Other names: c.289C>A, p.Arg97= (NM_001243766.2, NM_001410783.1); c.223C>A, p.Arg75= (NM_001290129.3); c.-141C>A (NM_001290130.2).
Identifiers: ClinVar variation 1104070 (VCV001104070.31), dbSNP rs564076183, ClinGen allele CA21917996.

ClinVar aggregate classification (germline): Likely benign. Review status: criteria provided, multiple submitters, no conflicts (2 of 4 stars). 2 submissions from 2 submitters: Likely benign (2). Last evaluated 2025-06-02.

Conditions:
Autosomal recessive limb-girdle muscular dystrophy type 2O. Also called: MUSCULAR DYSTROPHY-DYSTROGLYCANOPATHY (LIMB-GIRDLE), TYPE C, 3; Limb-Girdle Muscular Dystrophy Type 3C; MUSCULAR DYSTROPHY-DYSTROGLYCANOPATHY, LIMB-GIRDLE, POMGNT1-RELATED. Identifiers: Orphanet 206564, MedGen C3150417, MONDO:0013161, OMIM 613157.
Muscular dystrophy-dystroglycanopathy (congenital with impaired intellectual development), type B, 3. Also called: Muscular dystrophy-dystroglycanopathy (congenital with intellectual disability), type B3; MUSCULAR DYSTROPHY, CONGENITAL, POMGNT1-RELATED. Identifiers: MedGen C3150412, MONDO:0013155, OMIM 613151.

gnomAD v4.1: 1 of 1,614,206 alleles (0.000062%); no homozygotes.

Submissions (2):

Labcorp Genetics (formerly Invitae), Labcorp
Classification: Likely benign for Autosomal recessive limb-girdle muscular dystrophy type 2O; Muscular dystrophy-dystroglycanopathy (congenital with impaired intellectual development), type B, 3. Last evaluated: 2025-06-02. Review status: criteria provided, single submitter. Criteria: Invitae Variant Classification Sherloc (09022015). Collection method: clinical testing. Allele origin: germline.

CeGaT Center for Human Genetics Tuebingen
Classification: Likely benign. Last evaluated: 2024-02-01. Review status: criteria provided, single submitter. Criteria: CeGaT Center For Human Genetics Tuebingen Variant Classification Criteria Version 2. Collection method: clinical testing. Allele origin: germline. Affected: yes. Observed: 1 variant allele.
Comment: POMGNT1: PM2:Supporting, BP4, BP7